The following is an entry in ClinVar:

ClinVar aggregate classification (germline): Uncertain significance (1 of 4 stars; one submission).

Conditions:
Hereditary cancer-predisposing syndrome. Also called: Neoplastic Syndromes, Hereditary; Tumor predisposition; Hereditary Cancer Syndrome; Hereditary neoplastic syndrome. Identifiers: Orphanet 140162, MedGen C0027672, MeSH D009386, MONDO:0015356.

Submission:

Color Diagnostics, LLC DBA Color Health
Classification: Uncertain significance for Hereditary cancer-predisposing syndrome. Last evaluated: 2023-04-11. Review status: criteria provided, single submitter. Criteria: ACMG Guidelines, 2015. Collection method: clinical testing. Allele origin: germline.
Comment: This missense variant replaces isoleucine with threonine at codon 1889 of the BRCA2 protein. Computational prediction suggests that this variant may not impact protein structure and function (internally defined REVEL score threshold <= 0.5, PMID: 27666373). To our knowledge, functional studies have not been reported for this variant. This variant has not been reported in individuals affected with BRCA2-related disorders in the literature. This variant has not been identified in the general population by the Genome Aggregation Database (gnomAD). The available evidence is insufficient to determine the role of this variant in disease conclusively. Therefore, this variant is classified as a Variant of Uncertain Significance.

NM_000059.4(BRCA2):c.5666T>C (p.Ile1889Thr)

Gene: BRCA2 (BRCA2 DNA repair associated; plus strand). Cytogenetic location: 13q13.1.
Variant type: single nucleotide variant.
Coding change: c.5666T>C on transcript NM_000059.4 (MANE Select); coding-DNA position 5666, T replaced by C.
Protein change: p.Ile1889Thr; replaces isoleucine 1889 with threonine.
Molecular consequence: missense variant. On other transcripts: non-coding transcript variant (1), intron variant (2).
Genome position (GRCh38, 1-based): chr13:32,340,021, T>C. VCF-style: chr13-32340021-T-C. GRCh37 (hg19) VCF-style: chr13-32914158-T-C.
Other names: c.5666T>C, p.Ile1889Thr (NM_001406719.1, NM_001406720.1); c.1910-4537T>C (NM_001406721.1); c.425-4537T>C (NM_001406722.1); short protein forms I1889T.
Identifiers: ClinVar variation 2774925 (VCV002774925.2), dbSNP rs2137519689, ClinGen allele CA387786193.